The following is an entry in ClinVar:

NM_002282.3(KRT83):c.1219G>A (p.Glu407Lys)

Gene: KRT83 (keratin 83; minus strand). Cytogenetic location: 12q13.13.
Variant type: single nucleotide variant.
Coding change: c.1219G>A on transcript NM_002282.3 (MANE Select); coding-DNA position 1219, G replaced by A.
Protein change: p.Glu407Lys; replaces glutamic acid 407 with lysine.
Molecular consequence: missense variant.
Genome position (GRCh38, 1-based): chr12:52,315,936, C>T on the plus strand (G>A on the coding strand, the complement: KRT83 is on the minus strand). VCF-style: chr12-52315936-C-T. GRCh37 (hg19) VCF-style: chr12-52709720-C-T.
Other names: short protein forms E407K.
Identifiers: ClinVar variation 6837 (VCV000006837.6), dbSNP rs57802288, ClinGen allele CA118533.
Genomic context (GRCh38, chr12:52,315,936, plus strand): 5'-GGCTGGGTTGGACCCACCTCTGCTCCTCGCCCTCCAGCAGGCGCCTGTAGGTGGCGATCT[C>T]GATATCCAGGCCTAGCTTGGAGTTCATCACCTCCTGGTACTCCCTGATCAGGCAGGCCAT-3'
Protein context (NP_002273.3, residues 397-417): VMNSKLGLDI[Glu407Lys]IATYRRLLEG

ClinVar aggregate classification (germline): Likely pathogenic. Review status: criteria provided, multiple submitters, no conflicts (2 of 4 stars). 4 submissions from 4 submitters: Likely pathogenic (2). 2 of the submissions do not count toward it. Last evaluated 2024-04-15.

Conditions:
Monilethrix-3. Identifiers: MedGen C6012714, MONDO:0700342, OMIM 621170.
Monilethrix. Also called: Beaded hair. Identifiers: Orphanet 573, MedGen C0546966, MONDO:0008009, HP:0032470.

Allele frequency attached by ClinVar (database versions not stated): gnomAD exomes 0.00001.

Submissions (4):

Labcorp Genetics (formerly Invitae), Labcorp
Classification: Likely pathogenic. Last evaluated: 2024-04-15. Review status: criteria provided, single submitter. Criteria: Invitae Variant Classification Sherloc (09022015). Collection method: clinical testing. Allele origin: germline.
Comment: This sequence change replaces glutamic acid, which is acidic and polar, with lysine, which is basic and polar, at codon 407 of the KRT83 protein (p.Glu407Lys). This variant is present in population databases (rs57802288, gnomAD 0.003%). This missense change has been observed in individual(s) with monilethrix (PMID: 15744029, 25557232; Invitae). It has also been observed to segregate with disease in related individuals. ClinVar contains an entry for this variant (Variation ID: 6837). Advanced modeling of protein sequence and biophysical properties (such as structural, functional, and spatial information, amino acid conservation, physicochemical variation, residue mobility, and thermodynamic stability) performed at Invitae indicates that this missense variant is expected to disrupt KRT83 protein function with a positive predictive value of 80%. In summary, the currently available evidence indicates that the variant is pathogenic, but additional data are needed to prove that conclusively. Therefore, this variant has been classified as Likely Pathogenic.

Soonchunhyang University Bucheon Hospital, Soonchunhyang University Medical Center
Classification: Likely pathogenic for Monilethrix-1. Last evaluated: 2016-03-18. Review status: criteria provided, single submitter. Criteria: ACMG Guidelines, 2015. Collection method: reference population. Allele origin: germline. Observed: 1 variant allele.

OMIM
Classification: Pathogenic for MONILETHRIX 3. Last evaluated: 2005-03-01. Review status: no assertion criteria provided. Collection method: literature only. Allele origin: germline. Not counted in ClinVar's aggregate classification.

Epithelial Biology;  Institute of Medical Biology, Singapore
No classification provided. Review status: no classification provided. Collection method: not provided. Allele origin: not provided. Not counted in ClinVar's aggregate classification.

Literature cited by the submitters: PubMed 15744029 (cited by 3 submitters); PubMed 25557232 (cited by Labcorp Genetics (formerly Invitae), Labcorp and OMIM).